The following is an entry in ClinVar:

ClinVar aggregate classification (germline): Uncertain significance. Review status: criteria provided, multiple submitters, no conflicts (2 of 4 stars). 2 submissions from 2 submitters: Uncertain significance (2). Last evaluated 2025-12-11.

Conditions:
Inborn genetic diseases. Identifiers: MedGen C0950123, MeSH D030342.

Allele frequency attached by ClinVar (database versions not stated): ExAC 0.00006; TOPMed 0.00002; gnomAD exomes 0.00004 and 0.00001; gnomAD 0.00001.
gnomAD v4.1: 21 of 1,602,856 alleles (0.0013%); highest among the groups gnomAD compares: East Asian, 0.045%; no homozygotes.

Submissions (2):

Ambry Genetics
Classification: Uncertain significance for Inborn genetic diseases. Last evaluated: 2025-12-11. Review status: criteria provided, single submitter. Criteria: Ambry Variant Classification Scheme 2023. Collection method: clinical testing. Allele origin: germline.

Labcorp Genetics (formerly Invitae), Labcorp
Classification: Uncertain significance. Last evaluated: 2022-07-19. Review status: criteria provided, single submitter. Criteria: Invitae Variant Classification Sherloc (09022015). Collection method: clinical testing. Allele origin: germline.
Comment: This sequence change replaces glutamic acid with glycine at codon 194 of the MYO18B protein (p.Glu194Gly). The glutamic acid residue is weakly conserved and there is a moderate physicochemical difference between glutamic acid and glycine. This variant is present in population databases (rs768195765, gnomAD 0.05%). This variant has not been reported in the literature in individuals affected with MYO18B-related conditions. ClinVar contains an entry for this variant (Variation ID: 1418116). Algorithms developed to predict the effect of missense changes on protein structure and function output the following: SIFT: "Not Available"; PolyPhen-2: "Benign"; Align-GVGD: "Not Available". The glycine amino acid residue is found in multiple mammalian species, which suggests that this missense change does not adversely affect protein function. In summary, the available evidence is currently insufficient to determine the role of this variant in disease. Therefore, it has been classified as a Variant of Uncertain Significance.

NM_032608.7(MYO18B):c.581A>G (p.Glu194Gly)

Gene: MYO18B (myosin XVIIIB; plus strand). Cytogenetic location: 22q12.1.
Variant type: single nucleotide variant.
Coding change: c.581A>G on transcript NM_032608.7 (MANE Select); coding-DNA position 581, A replaced by G.
Protein change: p.Glu194Gly; replaces glutamic acid 194 with glycine.
Molecular consequence: missense variant.
Genome position (GRCh38, 1-based): chr22:25,768,497, A>G. VCF-style: chr22-25768497-A-G. GRCh37 (hg19) VCF-style: chr22-26164464-A-G.
Other names: c.581A>G (NM_032608.5); c.581A>G, p.Glu194Gly (NM_001318245.2); short protein forms E194G.
Identifiers: ClinVar variation 1418116 (VCV001418116.7), dbSNP rs768195765, ClinGen allele CA10159648.